The following is an entry in ClinVar:

NM_005476.7(GNE):c.76_77delinsTT (p.Ala26Phe)

Gene: GNE (glucosamine (UDP-N-acetyl)-2-epimerase/N-acetylmannosamine kinase; minus strand). Cytogenetic location: 9p13.3.
Variant type: Indel.
Coding change: c.76_77delinsTT on transcript NM_005476.7 (MANE Select); coding-DNA positions 76 to 77, GC replaced by TT.
Protein change: p.Ala26Phe; replaces alanine 26 with phenylalanine.
Molecular consequence: missense variant. On other transcripts: intron variant (3).
Genome position (GRCh38, 1-based): chr9:36,249,279-36,249,280, GC replaced by AA on the plus strand (GC replaced by TT on the coding strand, the reverse complement: GNE is on the minus strand). VCF-style: chr9-36249279-GC-AA. GRCh37 (hg19) VCF-style: chr9-36249276-GC-AA.
Other names: c.169_170delinsTT, p.Ala57Phe (NM_001128227.3); c.76_77delinsTT, p.Ala26Phe (NM_001190383.3, NM_001374797.1); c.-13-2798_-13-2797delinsTT (NM_001190388.2, NM_001190384.3, NM_001374798.1); short protein forms A26F, A57F.
Identifiers: ClinVar variation 2030927 (VCV002030927.4), dbSNP rs2489810308, ClinGen allele CA2580080488.

ClinVar aggregate classification (germline): Uncertain significance (1 of 4 stars; one submission).

Conditions:
GNE myopathy (NM). Also called: NONAKA DISTAL MYOPATHY; INCLUSION BODY MYOPATHY, HEREDITARY, AUTOSOMAL RECESSIVE; INCLUSION BODY MYOPATHY 2, AUTOSOMAL RECESSIVE; MYOPATHY, DISTAL, WITH OR WITHOUT RIMMED VACUOLES; IBM 2; Inclusion body myopathy autosomal recessive. Identifiers: Orphanet 602, MedGen C1853926, MONDO:0011603, OMIM 605820.
Sialuria. Also called: SIALURIA, FRENCH TYPE; Sialic Acid Storage Disease. Identifiers: Orphanet 3166, MedGen C0342853, MONDO:0010028, OMIM 269921.

Submission:

Labcorp Genetics (formerly Invitae), Labcorp
Classification: Uncertain significance for Sialuria; GNE myopathy. Last evaluated: 2024-10-15. Review status: criteria provided, single submitter. Criteria: Invitae Variant Classification Sherloc (09022015). Collection method: clinical testing. Allele origin: germline.
Comment: This sequence change replaces alanine, which is neutral and non-polar, with phenylalanine, which is neutral and non-polar, at codon 57 of the GNE protein (p.Ala57Phe). Information on the frequency of this variant in the gnomAD database is not available, as this variant may be reported differently in the database. This missense change has been observed in individuals with autosomal recessive distal myopathy (PMID: 36360228). ClinVar contains an entry for this variant (Variation ID: 2030927). An algorithm developed to predict the effect of missense changes on protein structure and function (PolyPhen-2) suggests that this variant is likely to be disruptive. In summary, the available evidence is currently insufficient to determine the role of this variant in disease. Therefore, it has been classified as a Variant of Uncertain Significance.

Literature cited by the submitters: PubMed 36360228.